The following is an entry in ClinVar:

NM_001035.3(RYR2):c.12027C>T (p.Asn4009=)

Gene: RYR2 (ryanodine receptor 2; plus strand). Cytogenetic location: 1q43.
Variant type: single nucleotide variant.
Coding change: c.12027C>T on transcript NM_001035.3 (MANE Select); coding-DNA position 12027, C replaced by T.
Protein change: p.Asn4009=; no amino-acid change (asparagine 4009 retained).
Molecular consequence: synonymous variant.
Genome position (GRCh38, 1-based): chr1:237,783,739, C>T. VCF-style: chr1-237783739-C-T. GRCh37 (hg19) VCF-style: chr1-237947039-C-T.
Other names: c.12027C>T, p.Asn4009= (LRG_402t1).
Identifiers: ClinVar variation 296757 (VCV000296757.34), dbSNP rs763374929, ClinGen allele CA085112.

ClinVar aggregate classification (germline): Conflicting classifications of pathogenicity. Review status: criteria provided, conflicting classifications (1 of 4 stars). 11 submissions from 10 submitters: Uncertain significance (3); Likely benign (7). 1 of the submissions does not count toward it. Last evaluated 2026-01-17.

Conditions:
RYR2-related disorder. Also called: RYR2-related condition.
Cardiovascular phenotype. Identifiers: MedGen CN230736.
Catecholaminergic polymorphic ventricular tachycardia (CVPT). Also called: Catecholamine-induced polymorphic ventricular tachycardia. Identifiers: Orphanet 3286, MedGen C5574922, MONDO:0017990.
Catecholaminergic polymorphic ventricular tachycardia 1. Also called: RYR2-Related Catecholaminergic Polymorphic Ventricular Tachycardia; VENTRICULAR TACHYCARDIA, CATECHOLAMINERGIC POLYMORPHIC, 1, WITH OR WITHOUT ATRIAL DYSFUNCTION AND/OR DILATED CARDIOMYOPATHY; VENTRICULAR TACHYCARDIA, STRESS-INDUCED POLYMORPHIC 1. Identifiers: Orphanet 3286, MedGen C1631597, MONDO:0011484, OMIM 604772.
Cardiomyopathy (CMYO). Also called: Cardiomyopathies. Identifiers: Orphanet 167848, MedGen C0878544, MONDO:0004994, HP:0001638. Inheritance: Various modes of inheritance.
Arrhythmogenic right ventricular dysplasia 2. Identifiers: MedGen C1832931.

Allele frequency attached by ClinVar (database versions not stated): gnomAD 0.00001 and 0.00003; ExAC 0.00002; gnomAD exomes 0.00004 and 0.00005; TOPMed 0.00004.
gnomAD v4.1: 59 of 1,612,344 alleles (0.0037%); highest among the groups gnomAD compares: South Asian, 0.0033%; no homozygotes.

Submissions (11):

Labcorp Genetics (formerly Invitae), Labcorp
Classification: Likely benign for Catecholaminergic polymorphic ventricular tachycardia 1. Last evaluated: 2026-01-17. Review status: criteria provided, single submitter. Criteria: Invitae Variant Classification Sherloc (09022015). Collection method: clinical testing. Allele origin: germline.

CeGaT Center for Human Genetics Tuebingen
Classification: Likely benign. Last evaluated: 2025-03-01. Review status: criteria provided, single submitter. Criteria: CeGaT Center For Human Genetics Tuebingen Variant Classification Criteria Version 2. Collection method: clinical testing. Allele origin: germline. Affected: yes. Observed: 1 variant allele.
Comment: RYR2: BP4, BP7

Blueprint Genetics
Classification: Likely benign. Last evaluated: 2024-09-11. Review status: criteria provided, single submitter. Criteria: ACMG Guidelines, 2015. Collection method: clinical testing. Allele origin: germline.

All of Us Research Program, National Institutes of Health
Classification: Likely benign for Catecholaminergic polymorphic ventricular tachycardia. Last evaluated: 2023-12-13. Review status: criteria provided, single submitter. Criteria: ACMG Guidelines, 2015. Collection method: clinical testing. Allele origin: germline. Inheritance: Autosomal dominant inheritance. Observed: 6 variant alleles, 6 heterozygotes.
Comment: This study involves interpretation of variants in research participants for the purpose of population health screening. Participant phenotype was not available at the time of variant classification. Additional details can be found in publication PMID: 35346344, PMCID: PMC8962531

Ambry Genetics
Classification: Likely benign for Cardiovascular phenotype. Last evaluated: 2019-12-18. Review status: criteria provided, single submitter. Criteria: Ambry Variant Classification Scheme 2023. Collection method: clinical testing. Allele origin: germline.

Color Diagnostics, LLC DBA Color Health
Classification: Likely benign for Cardiomyopathy. Last evaluated: 2019-07-02. Review status: criteria provided, single submitter. Criteria: ACMG Guidelines, 2015. Collection method: clinical testing. Allele origin: germline.

Illumina Laboratory Services, Illumina
Classification: Uncertain significance for Catecholaminergic polymorphic ventricular tachycardia 1. Last evaluated: 2018-01-12. Review status: criteria provided, single submitter. Criteria: ICSL Variant Classification Criteria 13 December 2019. Collection method: clinical testing. Allele origin: germline.

Illumina Laboratory Services, Illumina
Classification: Uncertain significance for Catecholaminergic polymorphic ventricular tachycardia 1. Last evaluated: 2018-01-12. Review status: criteria provided, single submitter. Criteria: ICSL Variant Classification Criteria 13 December 2019. Collection method: clinical testing. Allele origin: germline.

Eurofins Ntd Llc (ga)
Classification: Uncertain significance. Last evaluated: 2017-05-19. Review status: criteria provided, single submitter. Criteria: EGL Classification Definitions 2015. Collection method: clinical testing. Allele origin: germline. Observed: 1 variant allele, 1 heterozygote.

GeneDx
Classification: Likely benign. Last evaluated: 2016-11-18. Review status: criteria provided, single submitter. Criteria: GeneDx Variant Classification (06012015). Collection method: clinical testing. Allele origin: germline. Affected: yes.
Comment: This variant is considered likely benign or benign based on one or more of the following criteria: it is a conservative change, it occurs at a poorly conserved position in the protein, it is predicted to be benign by multiple in silico algorithms, and/or has population frequency not consistent with disease.

PreventionGenetics, part of Exact Sciences
Classification: Likely benign for RYR2-related condition. Last evaluated: 2019-06-26. Review status: no assertion criteria provided. Collection method: clinical testing. Allele origin: germline. Not counted in ClinVar's aggregate classification.
Comment: This variant is classified as likely benign based on ACMG/AMP sequence variant interpretation guidelines (Richards et al. 2015 PMID: 25741868, with internal and published modifications).